The following is an entry in ClinVar:

ClinVar aggregate classification (germline): drug response. Review status: reviewed by expert panel (3 of 4 stars). 8 submissions from 8 submitters: drug response (1). 7 of the submissions do not count toward it. Last evaluated 2021-05-25.

Conditions:
DPYD-related disorder. Also called: DPYD-related condition.
Inborn genetic diseases. Identifiers: MedGen C0950123, MeSH D030342.
Dihydropyrimidine dehydrogenase deficiency (DPYDD). Also called: DPD DEFICIENCY; DPYD DEFICIENCY; Hereditary Thymine-Uraciluria. Identifiers: Orphanet 1675, MedGen C1959620, MONDO:0010130, OMIM 274270.
fluorouracil response - Other.

Allele frequency attached by ClinVar (database versions not stated): ESP Exome Variant Server 0.00008; gnomAD exomes 0.00021; ExAC 0.00019; 1000 Genomes Project 0.00020; gnomAD 0.00021 and 0.00011; TOPMed 0.00014; 1000 Genomes Project 30x 0.00016.

Submissions (8):

ClinPGx
Classification: drug response for fluorouracil response - Other. Last evaluated: 2021-05-25. Review status: reviewed by expert panel. Criteria: Pharmacogenomics knowledge for personalized medicine. Collection method: curation. Allele origin: germline. Affected: yes.
Comment: PharmGKB Level of Evidence 1A: Level 1A clinical annotations describe variant-drug combinations that have variant-specific prescribing guidance available in a current clinical guideline annotation or an FDA-approved drug label annotation. Annotations of drug labels or clinical guidelines must give prescribing guidance for specific variants (e.g. CYP2C9*3, HLA-B*57:01) or provide mapping from defined allele functions to diplotypes and phenotypes to be used as supporting evidence for a level 1A clinical annotation. Level 1A clinical annotations must also be supported by at least one publication in addition to a clinical guideline or drug label with variant-specific prescribing guidance.

Blueprint Genetics
Classification: Uncertain significance. Last evaluated: 2023-11-03. Review status: criteria provided, single submitter. Criteria: ACMG Guidelines, 2015. Collection method: clinical testing. Allele origin: germline. Not counted in ClinVar's aggregate classification.

Ambry Genetics
Classification: Uncertain significance for Inborn genetic diseases. Last evaluated: 2021-03-02. Review status: criteria provided, single submitter. Criteria: Ambry Variant Classification Scheme 2023. Collection method: clinical testing. Allele origin: germline. Not counted in ClinVar's aggregate classification.
Comment: The c.2303C>A (p.T768K) alteration is located in exon 19 (coding exon 19) of the DPYD gene. This alteration results from a C to A substitution at nucleotide position 2303, causing the threonine (T) at amino acid position 768 to be replaced by a lysine (K). The in silico prediction for the p.T768K alteration is inconclusive. Based on insufficient or conflicting evidence, the clinical significance of this alteration remains unclear.

GeneDx
Classification: Uncertain significance. Last evaluated: 2020-09-02. Review status: criteria provided, single submitter. Criteria: GeneDx Variant Classification Process June 2021. Collection method: clinical testing. Allele origin: germline. Affected: yes. Not counted in ClinVar's aggregate classification.
Comment: Functional studies are discordant in their conclusions regarding enzyme activity (Offer et al., 2014; Ogura et al., 2005); In silico analysis supports that this missense variant does not alter protein structure/function; Identified in the heterozygous state in 3-6% of Japanese individuals (Maekawa et al., 2007; Okamoto et al., 2007); This variant is associated with the following publications: (PMID: 29769267, 20920994, 17876700, 19287123, 17828463, 24163242, 21498394, 16033824, 24648345, 32619063, 32707991)

Illumina Laboratory Services, Illumina
Classification: Uncertain significance for Dihydropyrimidine dehydrogenase deficiency. Last evaluated: 2017-04-27. Review status: criteria provided, single submitter. Criteria: ICSL Variant Classification Criteria 13 December 2019. Collection method: clinical testing. Allele origin: germline. Not counted in ClinVar's aggregate classification.
Comment: This variant was observed as part of a predisposition screen in an ostensibly healthy population. A literature search was performed for the gene, cDNA change, and amino acid change (where applicable). Publications were found based on this search. However, the evidence from the literature, in combination with allele frequency data from public databases where available, was not sufficient to rule this variant in or out of causing disease. Therefore, this variant is classified as a variant of unknown significance.

Eurofins Ntd Llc (ga)
Classification: Uncertain significance. Last evaluated: 2016-04-14. Review status: criteria provided, single submitter. Criteria: EGL Classification Definitions 2015. Collection method: clinical testing. Allele origin: germline. Observed: 1 variant allele, 1 heterozygote. Not counted in ClinVar's aggregate classification.

PreventionGenetics, part of Exact Sciences
Classification: Likely benign for DPYD-related condition. Last evaluated: 2020-04-13. Review status: no assertion criteria provided. Collection method: clinical testing. Allele origin: germline. Not counted in ClinVar's aggregate classification.
Comment: This variant is classified as likely benign based on ACMG/AMP sequence variant interpretation guidelines (Richards et al. 2015 PMID: 25741868, with internal and published modifications).

Counsyl
Classification: Likely benign for Dihydropyrimidine dehydrogenase deficiency. Last evaluated: 2017-12-15. Review status: no assertion criteria provided. Collection method: clinical testing. Allele origin: unknown. Not counted in ClinVar's aggregate classification.

Literature cited by the submitters: PubMed 29769267 (cited by ClinPGx); PubMed 17828463 (cited by Illumina Laboratory Services, Illumina and Counsyl); PubMed 16033824 (cited by Illumina Laboratory Services, Illumina and Counsyl); PubMed 23596069 (cited by Counsyl); PubMed 17876700 (cited by Counsyl); PubMed 24648345 (cited by Counsyl).

NM_000110.4(DPYD):c.2303C>A (p.Thr768Lys)

Genes: DPYD (dihydropyrimidine dehydrogenase; minus strand), DPYD-AS1 (DPYD antisense RNA 1; plus strand). Cytogenetic location: 1p21.3.
Variant type: single nucleotide variant.
Coding change: c.2303C>A on transcript NM_000110.4 (MANE Select); coding-DNA position 2303, C replaced by A.
Protein change: p.Thr768Lys; replaces threonine 768 with lysine.
Molecular consequence: missense variant.
Genome position (GRCh38, 1-based): chr1:97,234,991, G>T on the plus strand (C>A on the coding strand, the complement: DPYD is on the minus strand). VCF-style: chr1-97234991-G-T. GRCh37 (hg19) VCF-style: chr1-97700547-G-T.
Other names: short protein forms T768K.
Identifiers: ClinVar variation 287480 (VCV000287480.18), dbSNP rs56005131, ClinGen allele CA963062.
Genomic context (GRCh38, chr1:97,234,991, plus strand): 5'-AATCCAGGCAGAGCACGAGCAATGGAGGTCACAGCTCTCAAAGCAATAGGTCTGATTGCT[G>T]TCCCTACACAAAATCAGAATAATCAATGGTTAGCACACTGACCACTTGAGTATACTGTCT-3'
Protein context (NP_000101.2, residues 758-778): KRTTYGGVSG[Thr768Lys]AIRPIALRAV